The following is an entry in ClinVar:

ClinVar aggregate classification (germline): Pathogenic. Review status: criteria provided, multiple submitters, no conflicts (2 of 4 stars). 2 submissions from 2 submitters: Pathogenic (2). Last evaluated 2025-08-08.

Conditions:
Jeune thoracic dystrophy. Also called: Short-rib thoracic dysplasia; Jeune syndrome; Infantile thoracic dystrophy; Thoracic pelvic phalangeal dystrophy; Jeune's syndrome; Chondroectodermal dysplasia-like syndrome. Identifiers: Orphanet 474, MedGen C0265275, MONDO:0018770.
Asphyxiating thoracic dystrophy 3. Also called: SHORT-RIB THORACIC DYSPLASIA 3 WITH OR WITHOUT POLYDACTYLY; SHORT-RIB THORACIC DYSPLASIA 3/6 WITH POLYDACTYLY, DIGENIC; Short rib polydactyly syndrome 2B; POLYDACTYLY WITH NEONATAL CHONDRODYSTROPHY, TYPE I; Saldino-Noonan Syndrome. Identifiers: Orphanet 474, Orphanet 93269, Orphanet 93270, Orphanet 93271, MedGen C0036069, MONDO:0013127, OMIM 613091.

Submissions (2):

Myriad Genetics, Inc.
Classification: Pathogenic for Asphyxiating thoracic dystrophy 3. Last evaluated: 2025-08-08. Review status: criteria provided, single submitter. Criteria: Myriad Autosomal Dominant, Autosomal Recessive and X-Linked Classification Criteria (2023). Collection method: clinical testing. Allele origin: unknown.
Comment: NM_001377.2(DYNC2H1):c.7909_7910delAT(M2637Vfs*2) is a frameshift variant classified as pathogenic in the context of DYNC2H1-related disorders. M2637Vfs*2 has not been observed in cases with relevant disease. Relevant functional assessments of this variant are not available in the literature. M2637Vfs*2 has not been observed in referenced population frequency databases. In summary, NM_001377.2(DYNC2H1):c.7909_7910delAT(M2637Vfs*2) is a frameshift variant in a gene where loss of function is a known mechanism of disease and is predicted to disrupt protein function. Please note: this variant was assessed in the context of healthy population screening.

Labcorp Genetics (formerly Invitae), Labcorp
Classification: Pathogenic for Jeune thoracic dystrophy. Last evaluated: 2023-08-02. Review status: criteria provided, single submitter. Criteria: Invitae Variant Classification Sherloc (09022015). Collection method: clinical testing. Allele origin: germline.
Comment: For these reasons, this variant has been classified as Pathogenic. This variant has not been reported in the literature in individuals affected with DYNC2H1-related conditions. This variant is not present in population databases (gnomAD no frequency). This sequence change creates a premature translational stop signal (p.Met2637Valfs*2) in the DYNC2H1 gene. It is expected to result in an absent or disrupted protein product. Loss-of-function variants in DYNC2H1 are known to be pathogenic (PMID: 23339108, 32753734, 33755199).

Literature cited by the submitters: PubMed 23339108 (cited by Labcorp Genetics (formerly Invitae), Labcorp); PubMed 32753734 (cited by Labcorp Genetics (formerly Invitae), Labcorp); PubMed 33755199 (cited by Labcorp Genetics (formerly Invitae), Labcorp).

NM_001377.3(DYNC2H1):c.7909_7910del (p.Met2637fs)

Gene: DYNC2H1 (dynein cytoplasmic 2 heavy chain 1; plus strand). Cytogenetic location: 11q22.3.
Variant type: Microsatellite.
Coding change: c.7909_7910del on transcript NM_001377.3 (MANE Select); coding-DNA positions 7909 to 7910, 2 bases deleted (AT; older notation c.7909_7910delAT).
Protein change: p.Met2637fs; shifts the reading frame from methionine 2637.
Molecular consequence: frameshift variant.
Genome position (GRCh38, 1-based): chr11:103,199,297-103,199,298, AT deleted; deleting any 2 consecutive bases within chr11:103,199,294-103,199,298 gives the same sequence; the c. name uses the placement nearest the transcript's 3' end. VCF-style (leftmost placement, unchanged base first): chr11-103199293-GTA-G. GRCh37 (hg19) VCF-style: chr11-103070022-GTA-G.
Other names: c.7909_7910del, p.Met2637fs (NM_001080463.2); short protein forms M2637fs.
Identifiers: ClinVar variation 2805171 (VCV002805171.4), dbSNP rs1862624167, ClinGen allele CA1996424952.